The following is an entry in ClinVar:

NM_000478.6(ALPL):c.862+58C>T

Gene: ALPL (alkaline phosphatase, biomineralization associated; plus strand). Cytogenetic location: 1p36.12.
Variant type: single nucleotide variant.
Coding change: c.862+58C>T on transcript NM_000478.6 (MANE Select); 58 bases into the intron after coding-DNA position 862, C replaced by T.
Molecular consequence: intron variant.
Genome position (GRCh38, 1-based): chr1:21,570,432, C>T. VCF-style: chr1-21570432-C-T. GRCh37 (hg19) VCF-style: chr1-21896925-C-T.
Other names: c.862+58C>T (NM_001369805.2, NM_001369804.2, NM_001369803.2); c.697+58C>T (NM_001127501.4); c.631+58C>T (NM_001177520.3).
Identifiers: ClinVar variation 1177590 (VCV001177590.7), dbSNP rs2275375, ClinGen allele CA10765517.

ClinVar aggregate classification (germline): Benign. Review status: criteria provided, multiple submitters, no conflicts (2 of 4 stars). 6 submissions from 4 submitters: Benign (6). Last evaluated 2025-08-29.

Conditions:
Hypophosphatasia. Also called: Phosphoethanol-aminuria. Identifiers: Orphanet 436, MedGen C0020630, MeSH D007014, MONDO:0018570.
Adult hypophosphatasia. Identifiers: Orphanet 247676, Orphanet 436, MedGen C0268413, MONDO:1010154, OMIM 146300, MONDO:0007798.
Infantile hypophosphatasia. Identifiers: Orphanet 247651, Orphanet 436, MedGen C0268412, MONDO:1010169, OMIM 241500, MONDO:0009427.
Childhood hypophosphatasia. Identifiers: Orphanet 247667, Orphanet 436, MedGen C0220743, MONDO:1010168, OMIM 241510, MONDO:0009428.

Allele frequency attached by ClinVar (database versions not stated): ESP Exome Variant Server 0.23828; gnomAD 0.25723 and 0.26142; TOPMed 0.26378; 1000 Genomes Project 0.32308; 1000 Genomes Project 30x 0.32308.
gnomAD v4.1: 360,462 of 1,561,994 alleles (23%); highest among the groups gnomAD compares: East Asian, 54%; 45,066 homozygotes.

Submissions (6):

Genomenon, Inc
Classification: Benign for Hypophosphatasia. Last evaluated: 2025-08-29. Review status: criteria provided, single submitter. Criteria: Genomenon Sequence Variant Interpretation Standards. Collection method: curation. Allele origin: germline. Affected: no.
Comment: ALPL c.862+58C>T is an intronic variant located in intron 8. This variant is present at high allele frequency in population databases. In conclusion, we classify ALPL c.862+58C>T as a benign variant.

Genome-Nilou Lab
Classification: Benign for Infantile hypophosphatasia. Last evaluated: 2021-07-01. Review status: criteria provided, single submitter. Criteria: ACMG Guidelines, 2015. Collection method: clinical testing. Allele origin: germline. Affected: no.

Genome-Nilou Lab
Classification: Benign for Childhood hypophosphatasia. Last evaluated: 2021-07-01. Review status: criteria provided, single submitter. Criteria: ACMG Guidelines, 2015. Collection method: clinical testing. Allele origin: germline. Affected: no.

Genome-Nilou Lab
Classification: Benign for Adult hypophosphatasia. Last evaluated: 2021-07-01. Review status: criteria provided, single submitter. Criteria: ACMG Guidelines, 2015. Collection method: clinical testing. Allele origin: germline. Affected: no.

GeneDx
Classification: Benign. Last evaluated: 2018-08-20. Review status: criteria provided, single submitter. Criteria: GeneDx Variant Classification Process June 2021. Collection method: clinical testing. Allele origin: germline. Affected: yes.

Breakthrough Genomics
Classification: Benign. Review status: criteria provided, single submitter. Criteria: ACMG Guidelines, 2015. Collection method: not provided. Allele origin: germline. Inheritance: Autosomal recessive inheritance. Affected: yes.